The following is an entry in ClinVar:

NM_021098.3(CACNA1H):c.5634C>T (p.Ala1878=)

Gene: CACNA1H (calcium voltage-gated channel subunit alpha1 H; plus strand). Cytogenetic location: 16p13.3.
Variant type: single nucleotide variant.
Coding change: c.5634C>T on transcript NM_021098.3 (MANE Select); coding-DNA position 5634, C replaced by T.
Protein change: p.Ala1878=; no amino-acid change (alanine 1878 retained).
Molecular consequence: synonymous variant.
Genome position (GRCh38, 1-based): chr16:1,218,398, C>T. VCF-style: chr16-1218398-C-T. GRCh37 (hg19) VCF-style: chr16-1268398-C-T.
Other names: c.5616C>T, p.Ala1872= (NM_001005407.2).
Identifiers: ClinVar variation 529695 (VCV000529695.13), dbSNP rs373353512, ClinGen allele CA7802082.

ClinVar aggregate classification (germline): Likely benign. Review status: criteria provided, multiple submitters, no conflicts (2 of 4 stars). 3 submissions from 3 submitters: Likely benign (2). 1 of the submissions does not count toward it. Last evaluated 2025-10-02.

Conditions:
CACNA1H-related disorder.
Idiopathic generalized epilepsy. Also called: Generalised epilepsy; EIG. Identifiers: MedGen C0270850, MONDO:0005579, OMIM 600669.
Hyperaldosteronism, familial, type IV (HALD4). Also called: FH IV; ALDOSTERONISM, PRIMARY, AND HYPERTENSION. Identifiers: Orphanet 642671, MedGen C4310756, MONDO:0014875, OMIM 617027.

Allele frequency attached by ClinVar (database versions not stated): gnomAD 0.00003; TOPMed 0.00005; ExAC 0.00008; ESP Exome Variant Server 0.00008.
gnomAD v4.1: 113 of 1,557,788 alleles (0.0073%); highest among the groups gnomAD compares: Middle Eastern, 0.017%; no homozygotes.

Submissions (3):

Labcorp Genetics (formerly Invitae), Labcorp
Classification: Likely benign for Idiopathic generalized epilepsy; Hyperaldosteronism, familial, type IV. Last evaluated: 2025-10-02. Review status: criteria provided, single submitter. Criteria: Invitae Variant Classification Sherloc (09022015). Collection method: clinical testing. Allele origin: germline.

Blueprint Genetics
Classification: Likely benign. Last evaluated: 2024-07-10. Review status: criteria provided, single submitter. Criteria: ACMG Guidelines, 2015. Collection method: clinical testing. Allele origin: germline.

PreventionGenetics, part of Exact Sciences
Classification: Likely benign for CACNA1H-related condition. Last evaluated: 2019-03-14. Review status: no assertion criteria provided. Collection method: clinical testing. Allele origin: germline. Not counted in ClinVar's aggregate classification.
Comment: This variant is classified as likely benign based on ACMG/AMP sequence variant interpretation guidelines (Richards et al. 2015 PMID: 25741868, with internal and published modifications).